The following continues an entry in ClinVar:

NM_007294.4(BRCA1):c.5277+1G>A

Gene: BRCA1. ClinVar aggregate classification (germline): Pathogenic. Pathogenic (1).

Submissions 20 to 33 of 33:

Neuberg Centre For Genomic Medicine, NCGM
Classification: Pathogenic for Breast-ovarian cancer, familial, susceptibility to, 1. Review status: criteria provided, single submitter. Criteria: ACMG Guidelines, 2015. Collection method: clinical testing. Allele origin: germline. Inheritance: Autosomal dominant inheritance. Affected: yes. Not counted in ClinVar's aggregate classification.
Comment: The invariant splice donor c.5277+1G>A variant in BRCA1 gene has been reported previously in heterozygous state in multiple individuals affected with Hereditary Breast and/or Ovarian cancer Steffensen AY, et al., 2014; van Harssel JJ, et al., 2010; van der Hout AH, et al., 2006. This variant has been known to segregate with disease. Functional studies indicate that this variant leads to skipping of exon 20 and creates a premature stop codon, proving a damaging effect Tesoriero AA, et al., 2005. The c.5277+1G>A variant is novel not in any individuals in gnomAD Exomes and 1000 Genomes. This variant has been reported to the ClinVar database as Pathogenic multiple submissions. Loss of function variants have been previously reported to be disease causing. For these reasons, this variant has been classified as Pathogenic.

King Laboratory, University of Washington
Classification: Pathogenic for Hereditary breast and ovarian cancer syndrome; Breast-ovarian cancer, familial 1. Last evaluated: 2019-09-01. Review status: no assertion criteria provided. Collection method: research. Allele origin: germline. Affected: yes. Not counted in ClinVar's aggregate classification.
Comment: Transcript analysis by cBROCA

True Health Diagnostics
Classification: Pathogenic for Hereditary cancer-predisposing syndrome. Last evaluated: 2017-10-30. Review status: no assertion criteria provided. Collection method: clinical testing. Allele origin: germline. Not counted in ClinVar's aggregate classification.

Foulkes Cancer Genetics LDI, Lady Davis Institute for Medical Research
Classification: Pathogenic for Breast and/or ovarian cancer. Last evaluated: 2016-01-22. Review status: no assertion criteria provided. Collection method: clinical testing. Allele origin: germline. Study: The Canadian Open Genetics Repository (COGR). Not counted in ClinVar's aggregate classification.

Counsyl
Classification: Pathogenic for Breast-ovarian cancer, familial 1. Last evaluated: 2014-08-19. Review status: no assertion criteria provided. Collection method: literature only. Allele origin: unknown. Inheritance: Autosomal dominant inheritance. Not counted in ClinVar's aggregate classification.

Research Molecular Genetics Laboratory, Women's College Hospital, University of Toronto
Classification: Pathogenic for Hereditary breast ovarian cancer syndrome. Last evaluated: 2014-01-31. Review status: no assertion criteria provided. Collection method: research. Allele origin: germline. Affected: yes. Study: The Canadian Open Genetics Repository (COGR). Not counted in ClinVar's aggregate classification.

Sharing Clinical Reports Project (SCRP)
Classification: Pathogenic for Breast-ovarian cancer, familial 1. Last evaluated: 2012-05-02. Review status: no assertion criteria provided. Collection method: clinical testing. Allele origin: germline. Not counted in ClinVar's aggregate classification.

Breast Cancer Information Core (BIC) (BRCA1)
Classification: Pathogenic for Breast-ovarian cancer, familial 1. Last evaluated: 1999-12-30. Review status: no assertion criteria provided. Collection method: clinical testing. Allele origin: germline. Affected: yes. Observed: 49 variant alleles. Not counted in ClinVar's aggregate classification.

Brotman Baty Institute, University of Washington
No classification provided (evidence only). Condition: Breast-ovarian cancer, familial 1. Review status: no classification provided. Collection method: in vitro. Allele origin: not applicable. Functional consequence: functionally_abnormal. Not counted in ClinVar's aggregate classification.
ClinVar note: "not provided" was previously submitted as the classification for the variant. However, the classification appeared to be based only on an observation of functional data so it was converted to no classification on 2025-07-30.

Clinical Genetics Laboratory, Department of Pathology, Netherlands Cancer Institute
Classification: Pathogenic. Review status: no assertion criteria provided. Collection method: clinical testing. Allele origin: germline. Affected: yes. Study: VKGL Data-share Consensus. Not counted in ClinVar's aggregate classification.

Department of Pathology and Laboratory Medicine, Sinai Health System
Classification: Pathogenic for Malignant tumor of breast. Review status: no assertion criteria provided. Collection method: clinical testing. Allele origin: unknown. Affected: yes. Observed: 1 variant allele. Study: The Canadian Open Genetics Repository (COGR). Not counted in ClinVar's aggregate classification.
Comment: The c.5277+1G>A variant has been previously reported in the literature in at least 5 of 3526 proband chromosomes in individuals with hereditary breast and ovarian cancer (De La Hoya 2001, Sanz 2010, Diez 2003, Easton 2007, Tesoriero 2005). In one study, bilateral breast cancer was noted and the presence of other cancers in the family (Diez 2003). In two studies, disease status was noted in 6 individuals (1 with breast and 5 with ovarian) and the variant was shown to segregate with disease in at least one affected family member (Sanz 2010, Tesoriero 2005). Tesoriero et al. (2005) carried out functional studies and determined that this variant leads to two alternative products, one causing exon 20 skipping and leading to a premature stop codon at codon 1737 and the other having retention of exon 20 and leading to a stop codon at codon 1767. The variant was identified in the UMD database 3 times as causal and in the BIC database 43 times as being clinically important. Easton et al (2007) report this variant as having >10e11 odds in favour of causality. Furthermore, this variant occurs within the +1 position of the 3' consensus splice site and variants at this position are a known mechanism of mutation and the type of variant expected to cause the disorder. In addition, in-silico or computational prediction software (SpliceSiteFinder, MaxEntScan, NNSPLICE, GeneSplicer, HumanSpliceFinder) predicts a greater than 10% difference in splicing in 5 of 5 different programs. In summary, based on the above information, this variant is classified as pathogenic.

Diagnostic Laboratory, Department of Genetics, University Medical Center Groningen
Classification: Pathogenic for Breast-ovarian cancer, familial, susceptibility to, 1. Review status: no assertion criteria provided. Collection method: clinical testing. Allele origin: germline. Affected: yes. Study: VKGL Data-share Consensus. Not counted in ClinVar's aggregate classification.

Joint Genome Diagnostic Labs from Nijmegen and Maastricht, Radboudumc and MUMC+
Classification: Pathogenic. Review status: no assertion criteria provided. Collection method: clinical testing. Allele origin: germline. Affected: yes. Study: VKGL Data-share Consensus. Not counted in ClinVar's aggregate classification.

MutSpliceDB: a database of splice sites variants effects on splicing, NIH
No classification provided (evidence only). Review status: no classification provided. Collection method: in vitro. Allele origin: not applicable. Functional consequence: retained intron. Not counted in ClinVar's aggregate classification.

Literature cited by the submitters: PubMed 21990134 (cited by 3 submitters); PubMed 11149413 (cited by 8 submitters); PubMed 16683254 (cited by 4 submitters); PubMed 19949876 (cited by 4 submitters); PubMed 17924331 (cited by 6 submitters); PubMed 24667779 (cited by 6 submitters); PubMed 11597388 (cited by 4 submitters); PubMed 11802209 (cited by 5 submitters); PubMed 12955716 (cited by 5 submitters); PubMed 14574155 (cited by 4 submitters); PubMed 16211554 (cited by 7 submitters); PubMed 16397213 (cited by Ambry Genetics and Quest Diagnostics Nichols Institute San Juan Capistrano); PubMed 23096355 (cited by 5 submitters); PubMed 30209399 (cited by 5 submitters); PubMed 20215541 (cited by 5 submitters); PubMed 21913181 (cited by 4 submitters); PubMed 24285858 (cited by 4 submitters); PubMed 31843900 (cited by 4 submitters); PubMed 33471991 (cited by 3 submitters); PubMed 38439815 (cited by Quest Diagnostics Nichols Institute San Juan Capistrano); PubMed 38398132 (cited by Quest Diagnostics Nichols Institute San Juan Capistrano); PubMed 36329109 (cited by Quest Diagnostics Nichols Institute San Juan Capistrano and Genetics Program, Instituto Nacional de Cancer); PubMed 25849179 (cited by Quest Diagnostics Nichols Institute San Juan Capistrano); PubMed 23348723 (cited by Quest Diagnostics Nichols Institute San Juan Capistrano and Counsyl); PubMed 26295337 (cited by Quest Diagnostics Nichols Institute San Juan Capistrano); PubMed 32761968 (cited by Kong lab, Department of Laboratory Medicine, National Cancer Center).